The following is an entry in ClinVar:

NM_182760.4(SUMF1):c.626T>C (p.Val209Ala)

Gene: SUMF1 (sulfatase modifying factor 1; minus strand). Cytogenetic location: 3p26.1.
Variant type: single nucleotide variant.
Coding change: c.626T>C on transcript NM_182760.4 (MANE Select); coding-DNA position 626, T replaced by C.
Protein change: p.Val209Ala; replaces valine 209 with alanine.
Molecular consequence: missense variant.
Genome position (GRCh38, 1-based): chr3:4,418,109, A>G on the plus strand (T>C on the coding strand, the complement: SUMF1 is on the minus strand). VCF-style: chr3-4418109-A-G. GRCh37 (hg19) VCF-style: chr3-4459793-A-G.
Other names: c.551T>C, p.Val184Ala (NM_001164674.2); c.626T>C, p.Val209Ala (NM_001164675.2); short protein forms V184A, V209A.
Identifiers: ClinVar variation 989687 (VCV000989687.3), dbSNP rs150870957, ClinGen allele CA2230515.

ClinVar aggregate classification (germline): Uncertain significance. Review status: criteria provided, single submitter (1 of 4 stars). 2 submissions from 2 submitters: Uncertain significance (1). 1 of the submissions does not count toward it. Last evaluated 2022-08-22.

Conditions:
Multiple sulfatase deficiency (MSD). Also called: Multiple Sulfatase Deficiency Disease; Mucosulfatidosis; Sulfatidosis, Juvenile, Austin Type. Identifiers: Orphanet 585, MedGen C0268263, MONDO:0010088, OMIM 272200.

Allele frequency attached by ClinVar (database versions not stated): gnomAD exomes below 0.00001 and 0.00001; ExAC 0.00002; gnomAD 0.00003 and 0.00004; TOPMed 0.00006; ESP Exome Variant Server 0.00008; 1000 Genomes Project 30x 0.00016; 1000 Genomes Project 0.00020.
gnomAD v4.1: 14 of 1,614,090 alleles (0.00087%); highest among the groups gnomAD compares: African/African-American, 0.016%; no homozygotes.

Submissions (2):

Labcorp Genetics (formerly Invitae), Labcorp
Classification: Uncertain significance for Multiple sulfatase deficiency. Last evaluated: 2022-08-22. Review status: criteria provided, single submitter. Criteria: Invitae Variant Classification Sherloc (09022015). Collection method: clinical testing. Allele origin: germline.
Comment: This sequence change replaces valine, which is neutral and non-polar, with alanine, which is neutral and non-polar, at codon 209 of the SUMF1 protein (p.Val209Ala). This variant is present in population databases (rs150870957, gnomAD 0.007%). This variant has not been reported in the literature in individuals affected with SUMF1-related conditions. ClinVar contains an entry for this variant (Variation ID: 989687). Algorithms developed to predict the effect of missense changes on protein structure and function (SIFT, PolyPhen-2, Align-GVGD) all suggest that this variant is likely to be disruptive. In summary, the available evidence is currently insufficient to determine the role of this variant in disease. Therefore, it has been classified as a Variant of Uncertain Significance.

Natera, Inc.
Classification: Uncertain significance for Multiple sulfatase deficiency. Last evaluated: 2020-08-13. Review status: no assertion criteria provided. Collection method: clinical testing. Allele origin: germline. Not counted in ClinVar's aggregate classification.